The following is an entry in ClinVar:

NM_015662.3(IFT172):c.722G>A (p.Arg241Gln)

Gene: IFT172 (intraflagellar transport 172; minus strand). Cytogenetic location: 2p23.3.
Variant type: single nucleotide variant.
Coding change: c.722G>A on transcript NM_015662.3 (MANE Select); coding-DNA position 722, G replaced by A.
Protein change: p.Arg241Gln; replaces arginine 241 with glutamine.
Molecular consequence: missense variant.
Genome position (GRCh38, 1-based): chr2:27,481,109, C>T on the plus strand (G>A on the coding strand, the complement: IFT172 is on the minus strand). VCF-style: chr2-27481109-C-T. GRCh37 (hg19) VCF-style: chr2-27703976-C-T.
Other names: c.722G>A, p.Arg241Gln (NM_001410739.1); c.722G>A (NM_015662.2); short protein forms R241Q.
Identifiers: ClinVar variation 2923199 (VCV002923199.5), dbSNP rs1169495816, ClinGen allele CA346398576.
Genomic context (GRCh38, chr2:27,481,109, plus strand): 5'-TCATAACTTCCTAGCACAACAGACTGGCCCCCAGGACTTGATACAGCTGTGGTGAACTCC[C>T]GCTCCTGAGGGTCACGGCTATAATCAAAAGTTTGTAGCATGTGACCTTCTTTTCCATAGG-3'
Protein context (NP_056477.1, residues 231-251): TFDYSRDPQE[Arg241Gln]EFTTAVSSPG

ClinVar aggregate classification (germline): Uncertain significance. Review status: criteria provided, multiple submitters, no conflicts (2 of 4 stars). 3 submissions from 3 submitters: Uncertain significance (3). Last evaluated 2026-01-12.

Conditions:
IFT172-related disorder. Also called: IFT172-related condition; IFT172-related disorders.
Short-rib thoracic dysplasia 10 with or without polydactyly (SRTD10). Identifiers: Orphanet 474, MedGen C3810175, MONDO:0014284, OMIM 615630.
Retinitis pigmentosa 71 (RP71). Identifiers: Orphanet 791, MedGen C4225342, MONDO:0014618, OMIM 616394.

Allele frequency attached by ClinVar (database versions not stated): TOPMed below 0.00001; gnomAD exomes 0.00001; gnomAD 0.00002.

Submissions (3):

Labcorp Genetics (formerly Invitae), Labcorp
Classification: Uncertain significance for Retinitis pigmentosa 71; Short-rib thoracic dysplasia 10 with or without polydactyly. Last evaluated: 2026-01-12. Review status: criteria provided, single submitter. Criteria: Invitae Variant Classification Sherloc (09022015). Collection method: clinical testing. Allele origin: germline.
Comment: This sequence change replaces arginine, which is basic and polar, with glutamine, which is neutral and polar, at codon 241 of the IFT172 protein (p.Arg241Gln). This variant is present in population databases (no rsID available, gnomAD 0.003%). This variant has not been reported in the literature in individuals affected with IFT172-related conditions. ClinVar contains an entry for this variant (Variation ID: 2923199). Invitae Evidence Modeling of protein sequence and biophysical properties (such as structural, functional, and spatial information, amino acid conservation, physicochemical variation, residue mobility, and thermodynamic stability) indicates that this missense variant is not expected to disrupt IFT172 protein function with a negative predictive value of 95%. In summary, the available evidence is currently insufficient to determine the role of this variant in disease. Therefore, it has been classified as a Variant of Uncertain Significance.

PreventionGenetics, part of Exact Sciences
Classification: Uncertain significance for IFT172-related condition. Last evaluated: 2025-02-07. Review status: criteria provided, single submitter. Criteria: ACMG Guidelines, 2015. Collection method: clinical testing. Allele origin: germline.
Comment: The IFT172 c.722G>A variant is predicted to result in the amino acid substitution p.Arg241Gln. To our knowledge, this variant has not been reported in the literature. This variant is reported in 0.0031% of alleles in individuals of European (Non-Finnish) descent in gnomAD. At this time, the clinical significance of this variant is uncertain due to the absence of conclusive functional and genetic evidence.

Blueprint Genetics
Classification: Uncertain significance. Last evaluated: 2023-01-26. Review status: criteria provided, single submitter. Criteria: ACMG Guidelines, 2015. Collection method: clinical testing. Allele origin: germline.